The following is an entry in ClinVar:

ClinVar aggregate classification (germline): Likely pathogenic (1 of 4 stars; one submission).

Conditions:
Fabry disease. Also called: ALPHA-GALACTOSIDASE A DEFICIENCY; ANDERSON-FABRY DISEASE; CERAMIDE TRIHEXOSIDASE DEFICIENCY; GLA DEFICIENCY; HEREDITARY DYSTOPIC LIPIDOSIS; Angiokeratoma corporis diffusum. Identifiers: Orphanet 324, MedGen C0002986, MONDO:0010526, OMIM 301500, HP:0001071. Disease mechanism: Fabry disease is due to inactivating mutations in the X-linked GLA gene resulting in deficiency of the enzyme Alpha Galactosidase-A., loss of function.

Submission:

Genomenon, Inc
Classification: Likely pathogenic for Fabry disease. Last evaluated: 2026-09-08. Review status: criteria provided, single submitter. Criteria: Genomenon Sequence Variant Interpretation Standards - Updated. Collection method: curation. Allele origin: germline. Affected: yes.
Comment: GLA p.Leu243Ser (c.728T>C) is a missense variant that changes the amino acid at codon 243 from Leucine to Serine. This variant has been observed in at least one proband with clinical features consistent with Fabry disease (PMID:23818648;31568064). The variant was found to segregate with disease in at least one affected family (PMID:23818648). Functional or patient cell studies have been reported (PMID:33915609;23818648). This variant is located in a mutational hotspot and/or important functional domain. It is absent or not present at a significant frequency in gnomAD. In conclusion, we classify GLA p.Leu243Ser (c.728T>C) as a likely pathogenic variant.

Literature cited by the submitters: PubMed 23818648; PubMed 31568064; PubMed 33915609.

NM_000169.3(GLA):c.728T>C (p.Leu243Ser)

Genes: GLA (galactosidase alpha; minus strand), RPL36A-HNRNPH2 (RPL36A-HNRNPH2 readthrough; plus strand). Cytogenetic location: Xq22.1.
Variant type: single nucleotide variant.
Coding change: c.728T>C on transcript NM_000169.3 (MANE Select); coding-DNA position 728, T replaced by C.
Protein change: p.Leu243Ser; replaces leucine 243 with serine.
Molecular consequence: missense variant. On other transcripts: non-coding transcript variant (3), intron variant (2).
Genome position (GRCh38, 1-based): chrX:101,398,858, A>G on the plus strand (T>C on the coding strand, the complement: GLA is on the minus strand). VCF-style: chrX-101398858-A-G. GRCh37 (hg19) VCF-style: chrX-100653846-A-G.
Other names: c.851T>C, p.Leu284Ser (NM_001406747.1); c.728T>C, p.Leu243Ser (NM_001406748.1); c.300+3401A>G (NM_001199973.2); c.177+7036A>G (NM_001199974.2); short protein forms L243S, L284S.
Identifiers: ClinVar variation 4087484 (VCV004087484.2).
Genomic context (GRCh38, chrX:101,398,858, plus strand): 5'-TTCCAACCCCCTGGTCCAGCAACATCAACAATTCTCTCCTGGTTAAAAGATGTCCAGTCC[A>G]AGATACTCTTTATACTTTTCCAGGAATCATCAATGTCAGCAAAATTTCGCCAGTGATTGC-3'
Protein context (NP_000160.1, residues 233-253): DDSWKSIKSI[Leu243Ser]DWTSFNQERI